The following is an entry in ClinVar:

ClinVar aggregate classification (germline): Uncertain significance. Review status: criteria provided, multiple submitters, no conflicts (2 of 4 stars). 2 submissions from 2 submitters: Uncertain significance (2). Last evaluated 2024-08-23.

Conditions:
Macrothrombocytopenia and granulocyte inclusions with or without nephritis or sensorineural hearing loss (MATINS). Also called: SEBASTIAN PLATELET SYNDROME; MACROTHROMBOCYTOPENIA WITH DISPERSED LEUKOCYTIC INCLUSIONS; MACROTHROMBOCYTOPENIA, NEPHRITIS, AND DEAFNESS; MACROTHROMBOCYTOPENIA, NEPHRITIS, DEAFNESS, AND LEUKOCYTE INCLUSIONS; ALPORT SYNDROME WITH MACROTHROMBOCYTOPENIA; Fechtner syndrome. Identifiers: Orphanet 182050, MedGen C5200934, MONDO:0015912, OMIM 155100.
Autosomal dominant nonsyndromic hearing loss 17. Also called: Deafness, autosomal dominant 17; Autosomal dominant nonsyndromic deafness 17. Identifiers: Orphanet 90635, MedGen C1863659, MONDO:0011350, OMIM 603622.

gnomAD v4.1: 1 of 1,614,220 alleles (0.000062%); highest among the groups gnomAD compares: Non-Finnish European, 0.000085%; no homozygotes.

Submissions (2):

GeneDx
Classification: Uncertain significance. Last evaluated: 2024-08-23. Review status: criteria provided, single submitter. Criteria: GeneDx Variant Classification Process June 2021. Collection method: clinical testing. Allele origin: germline. Affected: yes.
Comment: Not observed at significant frequency in large population cohorts (gnomAD); In silico analysis supports that this missense variant has a deleterious effect on protein structure/function; Has not been previously published as pathogenic or benign to our knowledge

Fulgent Genetics
Classification: Uncertain significance for Macrothrombocytopenia and granulocyte inclusions with or without nephritis or sensorineural hearing loss; Autosomal dominant nonsyndromic hearing loss 17. Last evaluated: 2024-04-25. Review status: criteria provided, single submitter. Criteria: ACMG Guidelines, 2015. Collection method: clinical testing. Allele origin: germline.

NM_002473.6(MYH9):c.1798C>T (p.Leu600Phe)

Gene: MYH9 (myosin heavy chain 9; minus strand). Cytogenetic location: 22q12.3.
Variant type: single nucleotide variant.
Coding change: c.1798C>T on transcript NM_002473.6 (MANE Select); coding-DNA position 1798, C replaced by T.
Protein change: p.Leu600Phe; replaces leucine 600 with phenylalanine.
Molecular consequence: missense variant.
Genome position (GRCh38, 1-based): chr22:36,309,327, G>A on the plus strand (C>T on the coding strand, the complement: MYH9 is on the minus strand). VCF-style: chr22-36309327-G-A. GRCh37 (hg19) VCF-style: chr22-36705372-G-A.
Other names: c.1798C>T (NM_002473.4); short protein forms L600F.
Identifiers: ClinVar variation 3588004 (VCV003588004.2).
Genomic context (GRCh38, chr22:36,309,327, plus strand): 5'-GGGCAAAGGGCGTACCATCCTTCCACAGCTCCGAGACAAACTTGTCAGAGGACTGGTGGA[G>A]CAGTGTGGCGATGTTGTCATTCAGGGGATCCATGTTCTTCATCAGCCACTCGTCAGCTTT-3'
Protein context (NP_002464.1, residues 590-610): DPLNDNIATL[Leu600Phe]HQSSDKFVSE